The following is an entry in ClinVar:

ClinVar aggregate classification (germline): Uncertain significance (1 of 4 stars; one submission).

Conditions:
Hereditary cancer-predisposing syndrome. Also called: Hereditary Cancer Syndrome; Hereditary neoplastic syndrome; Neoplastic Syndromes, Hereditary; Tumor predisposition. Identifiers: Orphanet 140162, MedGen C0027672, MeSH D009386, MONDO:0015356.

Allele frequency attached by ClinVar (database versions not stated): gnomAD exomes below 0.00001; ExAC 0.00001.
gnomAD v4.1: 1 of 1,613,752 alleles (0.000062%); highest among the groups gnomAD compares: South Asian, 0.0011%; no homozygotes.

Submission:

Ambry Genetics
Classification: Uncertain significance for Hereditary cancer-predisposing syndrome. Last evaluated: 2025-06-25. Review status: criteria provided, single submitter. Criteria: Ambry Variant Classification Scheme 2023. Collection method: clinical testing. Allele origin: germline.
Comment: The p.H1862Y variant (also known as c.5584C>T), located in coding exon 22 of the BRCA1 gene, results from a C to T substitution at nucleotide position 5584. The histidine at codon 1862 is replaced by tyrosine, an amino acid with similar properties. This amino acid position is poorly conserved in available vertebrate species. In addition, the in silico prediction for this alteration is inconclusive. Since supporting evidence is limited at this time, the clinical significance of this alteration remains unclear.

NM_007294.4(BRCA1):c.5584C>T (p.His1862Tyr)

Gene: BRCA1 (BRCA1 DNA repair associated; minus strand). Cytogenetic location: 17q21.31.
Variant type: single nucleotide variant.
Coding change: c.5584C>T on transcript NM_007294.4 (MANE Select); coding-DNA position 5584, C replaced by T.
Protein change: p.His1862Tyr; replaces histidine 1862 with tyrosine.
Molecular consequence: missense variant. On other transcripts: 3 prime UTR variant (1), non-coding transcript variant (1).
Genome position (GRCh38, 1-based): chr17:43,045,686, G>A on the plus strand (C>T on the coding strand, the complement: BRCA1 is on the minus strand). VCF-style: chr17-43045686-G-A. GRCh37 (hg19) VCF-style: chr17-41197703-G-A.
Other names: c.5377C>T, p.His1793Tyr (NM_001407875.1, NM_001407874.1); c.5380C>T, p.His1794Tyr (NM_001407863.1); c.5374C>T, p.His1792Tyr (NM_001407879.1, NM_001407881.1, NM_001407882.1 and 5 more transcripts); c.5440C>T, p.His1814Tyr (NM_001407732.1, NM_001407733.1, NM_001407734.1 and 18 more transcripts); c.5437C>T, p.His1813Tyr (NM_001407838.1, NM_001407839.1, NM_001407841.1 and 12 more transcripts); c.*98C>T (NM_001407854.1, NM_001407858.1, NM_001407859.1 and 14 more transcripts); c.5383C>T, p.His1795Tyr (NM_001407862.1); c.5371C>T, p.His1791Tyr (NM_001407894.1, NM_001407895.1, NM_001407896.1 and 12 more transcripts); and 74 more; short protein forms H1565Y, H1735Y, H1750Y, H1814Y, H1819Y, H1836Y, H1842Y, H1859Y.
Identifiers: ClinVar variation 1748439 (VCV001748439.3), dbSNP rs761585448, ClinGen allele CA055411.